The following is an entry in ClinVar:

ClinVar aggregate classification (germline): Benign (1 of 4 stars; one submission).

Conditions:
Desmosterolosis. Identifiers: Orphanet 35107, MedGen C1865596, MONDO:0011217, OMIM 602398.

Allele frequency attached by ClinVar (database versions not stated): gnomAD 0.01975 and 0.02139; TOPMed 0.02163; 1000 Genomes Project 0.02196; 1000 Genomes Project 30x 0.02374.

Submission:

Illumina Laboratory Services, Illumina
Classification: Benign for Desmosterolosis. Last evaluated: 2018-01-13. Review status: criteria provided, single submitter. Criteria: ICSL Variant Classification Criteria 13 December 2019. Collection method: clinical testing. Allele origin: germline.
Comment: This variant was observed in the ICSL laboratory as part of a predisposition screen in an ostensibly healthy population. It had not been previously curated by ICSL or reported in the Human Gene Mutation Database (HGMD: prior to June 1st, 2018), and was therefore a candidate for classification through an automated scoring system. Utilizing variant allele frequency, disease prevalence and penetrance estimates, and inheritance mode, an automated score was calculated to assess if this variant is too frequent to cause the disease. Based on the score and internal cut-off values, a variant classified as benign is not then subjected to further curation. The score for this variant resulted in a classification of benign for this disease.

NM_014762.4(DHCR24):c.*1677T>C

Gene: DHCR24 (24-dehydrocholesterol reductase; minus strand). Cytogenetic location: 1p32.3.
Variant type: single nucleotide variant.
Coding change: c.*1677T>C on transcript NM_014762.4 (MANE Select); 1677 bases downstream of the stop codon, T replaced by C.
Molecular consequence: 3 prime UTR variant.
Genome position (GRCh38, 1-based): chr1:54,850,556, A>G on the plus strand (T>C on the coding strand, the complement: DHCR24 is on the minus strand). VCF-style: chr1-54850556-A-G. GRCh37 (hg19) VCF-style: chr1-55316229-A-G.
Identifiers: ClinVar variation 297624 (VCV000297624.5), dbSNP rs74496507, ClinGen allele CA10611383.